The following is an entry in ClinVar:

NM_001177316.2(SLC34A3):c.266C>T (p.Ser89Phe)

Gene: SLC34A3 (solute carrier family 34 member 3; plus strand). Cytogenetic location: 9q34.3.
Variant type: single nucleotide variant.
Coding change: c.266C>T on transcript NM_001177316.2 (MANE Select); coding-DNA position 266, C replaced by T.
Protein change: p.Ser89Phe; replaces serine 89 with phenylalanine.
Molecular consequence: missense variant.
Genome position (GRCh38, 1-based): chr9:137,232,665, C>T. VCF-style: chr9-137232665-C-T. GRCh37 (hg19) VCF-style: chr9-140127117-C-T.
Other names: c.266C>T, p.Ser89Phe (NM_001177317.2, NM_080877.3); short protein forms S89F.
Identifiers: ClinVar variation 2180951 (VCV002180951.4), dbSNP rs771867611, ClinGen allele CA5364296.

ClinVar aggregate classification (germline): Uncertain significance (1 of 4 stars; one submission).

Allele frequency attached by ClinVar (database versions not stated): ExAC 0.00001; gnomAD 0.00001; TOPMed 0.00001.
gnomAD v4.1: 39 of 1,612,722 alleles (0.0024%); highest among the groups gnomAD compares: Non-Finnish European, 0.0033%; no homozygotes.

Submission:

Labcorp Genetics (formerly Invitae), Labcorp
Classification: Uncertain significance. Last evaluated: 2022-06-16. Review status: criteria provided, single submitter. Criteria: Invitae Variant Classification Sherloc (09022015). Collection method: clinical testing. Allele origin: germline.
Comment: This variant is present in population databases (rs771867611, gnomAD 0.003%). In summary, the available evidence is currently insufficient to determine the role of this variant in disease. Therefore, it has been classified as a Variant of Uncertain Significance. Algorithms developed to predict the effect of missense changes on protein structure and function are either unavailable or do not agree on the potential impact of this missense change (SIFT: "Deleterious"; PolyPhen-2: "Probably Damaging"; Align-GVGD: "Class C15"). This variant has not been reported in the literature in individuals affected with SLC34A3-related conditions. This sequence change replaces serine, which is neutral and polar, with phenylalanine, which is neutral and non-polar, at codon 89 of the SLC34A3 protein (p.Ser89Phe).